The following is an entry in ClinVar:

ClinVar aggregate classification (germline): Uncertain significance (1 of 4 stars; one submission).

Allele frequency attached by ClinVar (database versions not stated): TOPMed below 0.00001.

Submission:

Labcorp Genetics (formerly Invitae), Labcorp
Classification: Uncertain significance. Last evaluated: 2021-10-27. Review status: criteria provided, single submitter. Criteria: Invitae Variant Classification Sherloc (09022015). Collection method: clinical testing. Allele origin: germline.
Comment: This sequence change replaces histidine, a(n) basic and polar amino acid, with glutamine, a(n) neutral and polar amino acid, at codon 368 of the SP7 protein (p.His368Gln). This variant is not present in population databases (gnomAD no frequency). This variant has not been reported in the literature in individuals affected with SP7-related conditions. Algorithms developed to predict the effect of missense changes on protein structure and function are either unavailable or do not agree on the potential impact of this missense change (SIFT: "Deleterious"; PolyPhen-2: "Probably Damaging"; Align-GVGD: "Class C15"). In summary, the available evidence is currently insufficient to determine the role of this variant in disease. Therefore, it has been classified as a Variant of Uncertain Significance.

NM_001173467.3(SP7):c.1104C>A (p.His368Gln)

Gene: SP7 (Sp7 transcription factor; minus strand). Cytogenetic location: 12q13.13.
Variant type: single nucleotide variant.
Coding change: c.1104C>A on transcript NM_001173467.3 (MANE Select); coding-DNA position 1104, C replaced by A.
Protein change: p.His368Gln; replaces histidine 368 with glutamine.
Molecular consequence: missense variant.
Genome position (GRCh38, 1-based): chr12:53,328,338, G>T on the plus strand (C>A on the coding strand, the complement: SP7 is on the minus strand). VCF-style: chr12-53328338-G-T. GRCh37 (hg19) VCF-style: chr12-53722122-G-T.
Other names: c.1050C>A, p.His350Gln (NM_001300837.2); c.1104C>A, p.His368Gln (NM_152860.2); short protein forms H350Q, H368Q.
Identifiers: ClinVar variation 1362384 (VCV001362384.6), dbSNP rs1944657970, ClinGen allele CA385051374.